The following is an entry in ClinVar:

ClinVar aggregate classification (germline): Uncertain significance. Review status: criteria provided, multiple submitters, no conflicts (2 of 4 stars). 7 submissions from 7 submitters: Uncertain significance (6). 1 of the submissions does not count toward it. Last evaluated 2026-01-05.

Conditions:
Susceptibility to severe COVID-19.
STAT2-related disorder. Also called: STAT2-related condition.
Primary immunodeficiency with post-measles-mumps-rubella vaccine viral infection. Also called: Immunodeficiency 44. Identifiers: Orphanet 431166, MedGen C4225260, MONDO:0014715, OMIM 616636.

Allele frequency attached by ClinVar (database versions not stated): ESP Exome Variant Server 0.00023; gnomAD 0.00023 and 0.00024; gnomAD exomes 0.00024; ExAC 0.00025; TOPMed 0.00032; 1000 Genomes Project 30x 0.00062; 1000 Genomes Project 0.00080.
gnomAD v4.1: 297 of 1,614,134 alleles (0.018%); highest among the groups gnomAD compares: Middle Eastern, 0.59%; 1 homozygote.

Submissions (7):

Labcorp Genetics (formerly Invitae), Labcorp
Classification: Uncertain significance for Primary immunodeficiency with post-measles-mumps-rubella vaccine viral infection. Last evaluated: 2026-01-05. Review status: criteria provided, single submitter. Criteria: Invitae Variant Classification Sherloc (09022015). Collection method: clinical testing. Allele origin: germline.
Comment: This sequence change replaces glutamine, which is neutral and polar, with lysine, which is basic and polar, at codon 84 of the STAT2 protein (p.Gln84Lys). This variant is present in population databases (rs150901100, gnomAD 0.08%). This missense change has been observed in individual(s) with clinical features of primary immunodeficiency (PMID: 32135276). ClinVar contains an entry for this variant (Variation ID: 636366). Invitae Evidence Modeling of protein sequence and biophysical properties (such as structural, functional, and spatial information, amino acid conservation, physicochemical variation, residue mobility, and thermodynamic stability) indicates that this missense variant is not expected to disrupt STAT2 protein function with a negative predictive value of 80%. In summary, the available evidence is currently insufficient to determine the role of this variant in disease. Therefore, it has been classified as a Variant of Uncertain Significance.

PreventionGenetics, part of Exact Sciences
Classification: Uncertain significance for STAT2-related condition. Last evaluated: 2025-11-25. Review status: criteria provided, single submitter. Criteria: ACMG Guidelines, 2015. Collection method: clinical testing. Allele origin: germline.
Comment: The STAT2 c.250C>A variant is predicted to result in the amino acid substitution p.Gln84Lys. This variant has been reported in the compound heterozygous state in two individuals with hematologic immune dysregulation (Figure 3 and Supplementary Table S1, Simon et al 2020. PubMed ID: 32135276). This variant is reported in 0.085% of alleles in individuals of Latino descent in gnomAD. At this time, the clinical significance of this variant is uncertain due to the absence of conclusive functional and genetic evidence.

Blueprint Genetics
Classification: Uncertain significance. Last evaluated: 2024-10-14. Review status: criteria provided, single submitter. Criteria: ACMG Guidelines, 2015. Collection method: clinical testing. Allele origin: germline.

CeGaT Center for Human Genetics Tuebingen
Classification: Uncertain significance. Last evaluated: 2023-07-01. Review status: criteria provided, single submitter. Criteria: CeGaT Center For Human Genetics Tuebingen Variant Classification Criteria Version 2. Collection method: clinical testing. Allele origin: germline. Affected: yes. Observed: 1 variant allele.
Comment: STAT2: PM2, BP4

Revvity Omics, Revvity
Classification: Uncertain significance. Last evaluated: 2022-09-06. Review status: criteria provided, single submitter. Criteria: ACMG Guidelines, 2015. Collection method: clinical testing. Allele origin: germline.

Breakthrough Genomics
Classification: Uncertain significance. Review status: criteria provided, single submitter. Criteria: ACMG Guidelines, 2015. Collection method: not provided. Allele origin: germline. Inheritance: Autosomal recessive inheritance. Affected: yes.

Dubai Health Genomic Medicine Center, Dubai Health
Classification: Likely risk allele for Susceptibility to severe COVID-19. Last evaluated: 2022-07-01. Review status: no assertion criteria provided. Collection method: research. Allele origin: germline. Affected: yes. Not counted in ClinVar's aggregate classification.

Literature cited by the submitters: PubMed 32135276 (cited by Labcorp Genetics (formerly Invitae), Labcorp).

NM_005419.4(STAT2):c.250C>A (p.Gln84Lys)

Gene: STAT2 (signal transducer and activator of transcription 2; minus strand). Cytogenetic location: 12q13.3.
Variant type: single nucleotide variant.
Coding change: c.250C>A on transcript NM_005419.4 (MANE Select); coding-DNA position 250, C replaced by A.
Protein change: p.Gln84Lys; replaces glutamine 84 with lysine.
Molecular consequence: missense variant.
Genome position (GRCh38, 1-based): chr12:56,356,167, G>T on the plus strand (C>A on the coding strand, the complement: STAT2 is on the minus strand). VCF-style: chr12-56356167-G-T. GRCh37 (hg19) VCF-style: chr12-56749951-G-T.
Other names: c.250C>A, p.Gln84Lys (NM_198332.2, LRG_1329t1); short protein forms Q84K.
Identifiers: ClinVar variation 636366 (VCV000636366.43), dbSNP rs150901100, ClinGen allele CA6630924.